The following is an entry in ClinVar:

ClinVar aggregate classification (germline): Uncertain significance (1 of 4 stars; one submission).

Conditions:
KLHL15-related disorder. Also called: KLHL15-related condition.

Submission:

PreventionGenetics, part of Exact Sciences
Classification: Uncertain significance for KLHL15-related condition. Last evaluated: 2023-08-28. Review status: criteria provided, single submitter. Criteria: ACMG Guidelines, 2015. Collection method: clinical testing. Allele origin: germline.
Comment: The KLHL15 c.663T>G variant is predicted to result in the amino acid substitution p.Asn221Lys. To our knowledge, this variant has not been reported in the literature or in a large population database, indicating this variant is rare. At this time, the clinical significance of this variant is uncertain due to the absence of conclusive functional and genetic evidence.

NM_030624.3(KLHL15):c.663T>G (p.Asn221Lys)

Genes: KLHL15 (kelch like family member 15; minus strand), LOC114022706 (Sharpr-MPRA regulatory region 13558; plus strand). Cytogenetic location: Xp22.11.
Variant type: single nucleotide variant.
Coding change: c.663T>G on transcript NM_030624.3 (MANE Select); coding-DNA position 663, T replaced by G.
Protein change: p.Asn221Lys; replaces asparagine 221 with lysine.
Molecular consequence: missense variant.
Genome position (GRCh38, 1-based): chrX:24,006,031, A>C on the plus strand (T>G on the coding strand, the complement: KLHL15 is on the minus strand). VCF-style: chrX-24006031-A-C. GRCh37 (hg19) VCF-style: chrX-24024148-A-C.
Other names: short protein forms N221K.
Identifiers: ClinVar variation 2630796 (VCV002630796.1), dbSNP rs2518541634, ClinGen allele CA412595293.